The following is an entry in ClinVar:

NM_024704.5(KIF16B):c.1910T>C (p.Val637Ala)

Gene: KIF16B (kinesin family member 16B; minus strand). Cytogenetic location: 20p12.1.
Variant type: single nucleotide variant.
Coding change: c.1910T>C on transcript NM_024704.5 (MANE Select); coding-DNA position 1910, T replaced by C.
Protein change: p.Val637Ala; replaces valine 637 with alanine.
Molecular consequence: missense variant.
Genome position (GRCh38, 1-based): chr20:16,380,092, A>G on the plus strand (T>C on the coding strand, the complement: KIF16B is on the minus strand). VCF-style: chr20-16380092-A-G. GRCh37 (hg19) VCF-style: chr20-16360737-A-G.
Other names: c.1910T>C, p.Val637Ala (NM_001199865.2, NM_001199866.2); c.1943T>C, p.Val648Ala (NM_001410853.1); short protein forms V637A, V648A.
Identifiers: ClinVar variation 3338215 (VCV003338215.2).

ClinVar aggregate classification (germline): Uncertain significance (0 of 4 stars; one submission).

Conditions:
Autism (AUTS). Also called: Autistic disorder of childhood onset; Autistic disorder. Identifiers: MedGen C0004352, MeSH D001321, MONDO:0005260, OMIM 209850, HP:0000717.

Submission:

Centre for Addiction & Mental Health
Classification: Uncertain significance for Autism. Review status: no assertion criteria provided. Collection method: research. Allele origin: biparental. Affected: yes. Observed: 1 homozygote. Segregation with disease observed.
Comment: Nonsynonymous variant in known disease gene; no homozygotes in gnomAD control data, but no functional assay data available